The following is an entry in ClinVar:

ClinVar aggregate classification (germline): Uncertain significance. Review status: criteria provided, multiple submitters, no conflicts (2 of 4 stars). 2 submissions from 2 submitters: Uncertain significance (2). Last evaluated 2023-12-04.

Conditions:
Hereditary cancer-predisposing syndrome. Also called: Neoplastic Syndromes, Hereditary; Tumor predisposition; Hereditary Cancer Syndrome; Hereditary neoplastic syndrome. Identifiers: Orphanet 140162, MedGen C0027672, MeSH D009386, MONDO:0015356.

Submissions (2):

Color Diagnostics, LLC DBA Color Health
Classification: Uncertain significance for Hereditary cancer-predisposing syndrome. Last evaluated: 2023-12-04. Review status: criteria provided, single submitter. Criteria: ACMG Guidelines, 2015. Collection method: clinical testing. Allele origin: germline.
Comment: This missense variant replaces leucine with isoleucine at codon 334 of the BAP1 protein. Computational prediction suggests that this variant may not impact protein structure and function (internally defined REVEL score threshold <= 0.5, PMID: 27666373). To our knowledge, functional studies have not been reported for this variant. This variant has not been reported in individuals affected with BAP1-related disorders in the literature. This variant has not been identified in the general population by the Genome Aggregation Database (gnomAD). The available evidence is insufficient to determine the role of this variant in disease conclusively. Therefore, this variant is classified as a Variant of Uncertain Significance.

Ambry Genetics
Classification: Uncertain significance for Hereditary cancer-predisposing syndrome. Last evaluated: 2023-02-23. Review status: criteria provided, single submitter. Criteria: Ambry Variant Classification Scheme 2023. Collection method: clinical testing. Allele origin: germline.
Comment: The p.L334I variant (also known as c.1000C>A), located in coding exon 11 of the BAP1 gene, results from a C to A substitution at nucleotide position 1000. The leucine at codon 334 is replaced by isoleucine, an amino acid with highly similar properties. This amino acid position is conserved. In addition, this alteration is predicted to be tolerated by in silico analysis. Since supporting evidence is limited at this time, the clinical significance of this alteration remains unclear.

NM_004656.4(BAP1):c.1000C>A (p.Leu334Ile)

Gene: BAP1 (BRCA1 associated deubiquitinase 1; minus strand). Cytogenetic location: 3p21.1.
Variant type: single nucleotide variant.
Coding change: c.1000C>A on transcript NM_004656.4 (MANE Select); coding-DNA position 1000, C replaced by A.
Protein change: p.Leu334Ile; replaces leucine 334 with isoleucine.
Molecular consequence: missense variant.
Genome position (GRCh38, 1-based): chr3:52,405,226, G>T on the plus strand (C>A on the coding strand, the complement: BAP1 is on the minus strand). VCF-style: chr3-52405226-G-T. GRCh37 (hg19) VCF-style: chr3-52439242-G-T.
Other names: c.1000C>A (NM_004656.2); short protein forms L334I.
Identifiers: ClinVar variation 923119 (VCV000923119.6), dbSNP rs1705111035, ClinGen allele CA353106026.